The following is an entry in ClinVar:

NM_004970.3(IGFALS):c.508G>C (p.Gly170Arg)

Gene: IGFALS (insulin like growth factor binding protein acid labile subunit; minus strand). Cytogenetic location: 16p13.3.
Variant type: single nucleotide variant.
Coding change: c.508G>C on transcript NM_004970.3 (MANE Select); coding-DNA position 508, G replaced by C.
Protein change: p.Gly170Arg; replaces glycine 170 with arginine.
Molecular consequence: missense variant. On other transcripts: non-coding transcript variant (1).
Genome position (GRCh38, 1-based): chr16:1,791,910, C>G on the plus strand (G>C on the coding strand, the complement: IGFALS is on the minus strand). VCF-style: chr16-1791910-C-G. GRCh37 (hg19) VCF-style: chr16-1841911-C-G.
Other names: c.622G>C, p.Gly208Arg (NM_001146006.2); short protein forms G170R, G208R.
Identifiers: ClinVar variation 4621990 (VCV004621990.2).

ClinVar aggregate classification (germline): Uncertain significance. Review status: criteria provided, multiple submitters, no conflicts (2 of 4 stars). 2 submissions from 2 submitters: Uncertain significance (2). Last evaluated 2026-06-03.

Conditions:
Inborn genetic diseases. Identifiers: MedGen C0950123, MeSH D030342.

Submissions (2):

Women's Health and Genetics/Laboratory Corporation of America, LabCorp
Classification: Uncertain significance. Last evaluated: 2026-06-03. Review status: criteria provided, single submitter. Criteria: LabCorp Variant Classification Summary - May 2015. Collection method: clinical testing. Allele origin: germline.
Comment: Variant summary: IGFALS c.508G>C (p.Gly170Arg) results in a non-conservative amino acid change in the encoded protein sequence. Algorithms developed to predict the effect of missense changes on protein structure and function are either unavailable or do not agree on the potential impact of this missense change. The variant allele was found at a frequency of 1.6e-05 in 182216 control chromosomes. The available data on variant occurrences in the general population are insufficient to allow any conclusion about variant significance. To our knowledge, no occurrence of c.508G>C in individuals affected with IGFALS-related conditions and no experimental evidence demonstrating its impact on protein function have been reported. ClinVar contains an entry for this variant (Variation ID: 4621990). Based on the evidence outlined above, the variant was classified as uncertain significance.

Ambry Genetics
Classification: Uncertain significance for Inborn genetic diseases. Last evaluated: 2025-10-17. Review status: criteria provided, single submitter. Criteria: Ambry Variant Classification Scheme 2023. Collection method: clinical testing. Allele origin: germline.